The following is an entry in ClinVar:

ClinVar aggregate classification (germline): Likely benign. Review status: criteria provided, multiple submitters, no conflicts (2 of 4 stars). 3 submissions from 3 submitters: Likely benign (3). Last evaluated 2026-04-01.

Conditions:
Cerebral palsy, spastic quadriplegic, 2 (CPSQ2). Identifiers: Orphanet 210141, MedGen C2752061, MONDO:0013033, OMIM 612900.

Allele frequency attached by ClinVar (database versions not stated): ExAC 0.00004; ESP Exome Variant Server 0.00023; gnomAD 0.00027 and 0.00030.
gnomAD v4.1: 70 of 1,613,688 alleles (0.0043%); highest among the groups gnomAD compares: African/African-American, 0.085%; no homozygotes.

Submissions (3):

CeGaT Center for Human Genetics Tuebingen
Classification: Likely benign. Last evaluated: 2026-04-01. Review status: criteria provided, single submitter. Criteria: CeGaT Center For Human Genetics Tuebingen Variant Classification Criteria Version 2. Collection method: clinical testing. Allele origin: germline. Affected: yes. Observed: 2 variant alleles.
Comment: KANK1: BP4, BP7

Labcorp Genetics (formerly Invitae), Labcorp
Classification: Likely benign. Last evaluated: 2025-06-12. Review status: criteria provided, single submitter. Criteria: Invitae Variant Classification Sherloc (09022015). Collection method: clinical testing. Allele origin: germline.

Fulgent Genetics
Classification: Likely benign for Cerebral palsy, spastic quadriplegic, 2. Last evaluated: 2021-07-01. Review status: criteria provided, single submitter. Criteria: ACMG Guidelines, 2015. Collection method: clinical testing. Allele origin: unknown.

NM_015158.5(KANK1):c.9C>T (p.His3=)

Genes: KANK1 (KN motif and ankyrin repeat domains 1; plus strand), KANK1-AS1 (KANK1 antisense RNA 1; minus strand). Cytogenetic location: 9p24.3.
Variant type: single nucleotide variant.
Coding change: c.9C>T on transcript NM_015158.5 (MANE Select); coding-DNA position 9, C replaced by T.
Protein change: p.His3=; no amino-acid change (histidine 3 retained).
Molecular consequence: synonymous variant. On other transcripts: 5 prime UTR variant (1).
Genome position (GRCh38, 1-based): chr9:676,981, C>T. VCF-style: chr9-676981-C-T. GRCh37 (hg19) VCF-style: chr9-676981-C-T.
Other names: c.9C>T, p.His3= (NM_001256876.3, NM_001256877.3, NM_001354331.2 and 2 more transcripts); c.-499C>T (NM_001354333.2).
Identifiers: ClinVar variation 1651623 (VCV001651623.33), dbSNP rs144137079, ClinGen allele CA4959796.
Genomic context (GRCh38, chr9:676,981, plus strand): 5'-ATTTGCATGACTCCTCACTCCTTTCTGGATCTCTCATTGGACTCAAGCCAGCATGGCTCA[C>T]ACCACAAAGGTTAACGGCAGTGCCTCAGGTAACCCTGTGCTCTGGAGTTTGTGTGTTAAA-3'
Protein context (NP_055973.2, residues 1-13): MA[His3=]TTKVNGSASG